The following is an entry in ClinVar:

NM_001905.4(CTPS1):c.1403A>G (p.Tyr468Cys)

Gene: CTPS1 (CTP synthase 1; plus strand). Cytogenetic location: 1p34.2.
Variant type: single nucleotide variant.
Coding change: c.1403A>G on transcript NM_001905.4 (MANE Select); coding-DNA position 1403, A replaced by G.
Protein change: p.Tyr468Cys; replaces tyrosine 468 with cysteine.
Molecular consequence: missense variant. On other transcripts: non-coding transcript variant (1).
Genome position (GRCh38, 1-based): chr1:41,008,668, A>G. VCF-style: chr1-41008668-A-G. GRCh37 (hg19) VCF-style: chr1-41474340-A-G.
Other names: c.935A>G, p.Tyr312Cys (NM_001301237.2); c.1403A>G (NM_001905.2); short protein forms Y312C, Y468C.
Identifiers: ClinVar variation 658475 (VCV000658475.7), dbSNP rs144358815, ClinGen allele CA795539.
Genomic context (GRCh38, chr1:41,008,668, plus strand): 5'-CATCATCCTGTGAGATAAAGTTCTTTACATACAGCCCGTTTGTTTTGCCAGGGAAACTCT[A>G]TGGAGACGCAGACTACTTGGAAGAGAGGCACCGCCACCGATTTGAGGTGAGGATTCCAGC-3'
Protein context (NP_001896.2, residues 458-478): QTKNSVMRKL[Tyr468Cys]GDADYLEERH

ClinVar aggregate classification (germline): Uncertain significance. Review status: criteria provided, multiple submitters, no conflicts (2 of 4 stars). 2 submissions from 2 submitters: Uncertain significance (2). Last evaluated 2025-04-12.

Conditions:
Combined immunodeficiency due to CTPS1 deficiency. Also called: Immunodeficiency 24; Severe combined immunodeficiency due to CTPS1 deficiency. Identifiers: Orphanet 420573, MedGen C4014617, MONDO:0014391, OMIM 615897.

Allele frequency attached by ClinVar (database versions not stated): gnomAD exomes below 0.00001; TOPMed below 0.00001; ExAC 0.00001; gnomAD 0.00001; ESP Exome Variant Server 0.00008.
gnomAD v4.1: 17 of 1,614,046 alleles (0.0011%); highest among the groups gnomAD compares: Non-Finnish European, 0.0014%; no homozygotes.

Submissions (2):

Ambry Genetics
Classification: Uncertain significance. Last evaluated: 2025-04-12. Review status: criteria provided, single submitter. Criteria: Ambry Variant Classification Scheme 2023. Collection method: clinical testing. Allele origin: germline.

Labcorp Genetics (formerly Invitae), Labcorp
Classification: Uncertain significance for Combined immunodeficiency due to CTPS1 deficiency. Last evaluated: 2023-07-10. Review status: criteria provided, single submitter. Criteria: Invitae Variant Classification Sherloc (09022015). Collection method: clinical testing. Allele origin: germline.
Comment: In summary, the available evidence is currently insufficient to determine the role of this variant in disease. Therefore, it has been classified as a Variant of Uncertain Significance. This sequence change replaces tyrosine, which is neutral and polar, with cysteine, which is neutral and slightly polar, at codon 468 of the CTPS1 protein (p.Tyr468Cys). This variant is present in population databases (rs144358815, gnomAD no frequency). This variant has not been reported in the literature in individuals affected with CTPS1-related conditions. ClinVar contains an entry for this variant (Variation ID: 658475). An algorithm developed to predict the effect of missense changes on protein structure and function (PolyPhen-2) suggests that this variant is likely to be disruptive.